The following is an entry in ClinVar:

NM_001852.4(COL9A2):c.1088C>G (p.Ser363Cys)

Gene: COL9A2 (collagen type IX alpha 2 chain; minus strand). Cytogenetic location: 1p34.2.
Variant type: single nucleotide variant.
Coding change: c.1088C>G on transcript NM_001852.4 (MANE Select); coding-DNA position 1088, C replaced by G.
Protein change: p.Ser363Cys; replaces serine 363 with cysteine.
Molecular consequence: missense variant.
Genome position (GRCh38, 1-based): chr1:40,305,734, G>C on the plus strand (C>G on the coding strand, the complement: COL9A2 is on the minus strand). VCF-style: chr1-40305734-G-C. GRCh37 (hg19) VCF-style: chr1-40771406-G-C.
Other names: short protein forms S363C.
Identifiers: ClinVar variation 1385898 (VCV001385898.8), dbSNP rs767484378, ClinGen allele CA791597.

ClinVar aggregate classification (germline): Uncertain significance (1 of 4 stars; one submission).

Allele frequency attached by ClinVar (database versions not stated): ExAC 0.00001; gnomAD 0.00001 and 0.00002; gnomAD exomes 0.00001; TOPMed 0.00002.
gnomAD v4.1: 4 of 1,614,030 alleles (0.00025%); highest among the groups gnomAD compares: African/African-American, 0.0053%; no homozygotes.

Submission:

Labcorp Genetics (formerly Invitae), Labcorp
Classification: Uncertain significance. Last evaluated: 2024-04-25. Review status: criteria provided, single submitter. Criteria: Invitae Variant Classification Sherloc (09022015). Collection method: clinical testing. Allele origin: germline.
Comment: This sequence change replaces serine, which is neutral and polar, with cysteine, which is neutral and slightly polar, at codon 363 of the COL9A2 protein (p.Ser363Cys). This variant is present in population databases (rs767484378, gnomAD 0.02%). This variant has not been reported in the literature in individuals affected with COL9A2-related conditions. ClinVar contains an entry for this variant (Variation ID: 1385898). Advanced modeling of protein sequence and biophysical properties (such as structural, functional, and spatial information, amino acid conservation, physicochemical variation, residue mobility, and thermodynamic stability) performed at Invitae indicates that this missense variant is not expected to disrupt COL9A2 protein function with a negative predictive value of 95%. In summary, the available evidence is currently insufficient to determine the role of this variant in disease. Therefore, it has been classified as a Variant of Uncertain Significance.